The following is an entry in ClinVar:

NM_003907.3(EIF2B5):c.271A>G (p.Thr91Ala)

Gene: EIF2B5 (eukaryotic translation initiation factor 2B subunit epsilon; plus strand). Cytogenetic location: 3q27.1.
Variant type: single nucleotide variant.
Coding change: c.271A>G on transcript NM_003907.3 (MANE Select); coding-DNA position 271, A replaced by G.
Protein change: p.Thr91Ala; replaces threonine 91 with alanine.
Molecular consequence: missense variant.
Genome position (GRCh38, 1-based): chr3:184,136,687, A>G. VCF-style: chr3-184136687-A-G. GRCh37 (hg19) VCF-style: chr3-183854475-A-G.
Other names: short protein forms T91A.
Identifiers: ClinVar variation 5942 (VCV000005942.32), dbSNP rs28939717, ClinGen allele CA340473.
Genomic context (GRCh38, chr3:184,136,687, plus strand): 5'-GCCAATGTGGCATTAATTGACTACACTCTGGAATTCCTGACTGCCACAGGTGTACAGGAA[A>G]CATTTGTCTTTTGTTGCTGGAAAGCTGCTCAAATCAAAGAACATTTACTGTAAGGCCCTG-3'
Protein context (NP_003898.2, residues 81-101): EFLTATGVQE[Thr91Ala]FVFCCWKAAQ

ClinVar aggregate classification (germline): Pathogenic/Likely pathogenic. Review status: criteria provided, multiple submitters, no conflicts (2 of 4 stars). 11 submissions from 11 submitters: Pathogenic (8); Likely pathogenic (1). 2 of the submissions do not count toward it. Last evaluated 2025-06-19.

Conditions:
EIF2B5-related disorders.
Leukoencephalopathy with vanishing white matter 5 (VWM5). Also called: Leukoencephalopathy with vanishing white matter 5, with or without ovarian failure; EIF2B5-Related Childhood Ataxia with Central Nervous System Hypomyelination/Vanishing White Matter. Identifiers: MedGen C5779973, MONDO:0957873, OMIM 620315.
Vanishing white matter disease. Also called: Childhood ataxia with diffuse central nervous system hypomyelination; Leukoencephalopathy with vanishing white matter; CACH/VWM syndrome; Cree leukoencehalopathy; CACH syndrome. Identifiers: Orphanet 135, Orphanet 99853, MedGen C1858991, MONDO:0800448.

Allele frequency attached by ClinVar (database versions not stated): gnomAD exomes 0.00004 and 0.00005; ExAC 0.00004; 1000 Genomes Project 30x 0.00031; TOPMed 0.00002; gnomAD 0.00004; 1000 Genomes Project 0.00020.
gnomAD v4.1: 83 of 1,614,210 alleles (0.0051%); highest among the groups gnomAD compares: Non-Finnish European, 0.007%; no homozygotes.

Submissions (11):

Natera, Inc.
Classification: Pathogenic for Leukoencephalopathy with vanishing white matter. Last evaluated: 2025-06-19. Review status: criteria provided, single submitter. Criteria: Natera Variant Classification Schema (03/2026). Collection method: clinical testing. Allele origin: germline.
Comment: The c.271A>G variant in EIF2B5 is a missense variant predicted to cause substitution of threonine to alanine at amino acid 91. This variant is rare in the general population with a frequency below the threshold expected for the associated phenotype(s). This variant has been observed in one or more individuals affected with the associated recessive disease, as either homozygous or compound heterozygous with a second variant (PMID: 11704758). Computational prediction algorithms indicate this variant is likely to affect gene or protein function. Given the available evidence, this variant is classified as Pathogenic.

Labcorp Genetics (formerly Invitae), Labcorp
Classification: Pathogenic. Last evaluated: 2025-02-19. Review status: criteria provided, single submitter. Criteria: Invitae Variant Classification Sherloc (09022015). Collection method: clinical testing. Allele origin: germline.
Comment: This sequence change replaces threonine, which is neutral and polar, with alanine, which is neutral and non-polar, at codon 91 of the EIF2B5 protein (p.Thr91Ala). This variant is present in population databases (rs28939717, gnomAD 0.009%). This missense change has been observed in individuals with leukoencephalopathy with vanishing white matter (PMID: 11704758, 15136673, 20975056, 21560189). It has also been observed to segregate with disease in related individuals. ClinVar contains an entry for this variant (Variation ID: 5942). Invitae Evidence Modeling of protein sequence and biophysical properties (such as structural, functional, and spatial information, amino acid conservation, physicochemical variation, residue mobility, and thermodynamic stability) indicates that this missense variant is not expected to disrupt EIF2B5 protein function with a negative predictive value of 80%. Experimental studies have shown that this missense change affects EIF2B5 function (PMID: 15060152). For these reasons, this variant has been classified as Pathogenic.

GeneDx
Classification: Pathogenic. Last evaluated: 2024-10-04. Review status: criteria provided, single submitter. Criteria: GeneDx Variant Classification Process June 2021. Collection method: clinical testing. Allele origin: germline. Affected: yes.
Comment: Published functional studies indicate that T91A is associated with a decrease in guanine nucleotide-exchange factor activity (PMID: 21560189); In silico analysis indicates that this missense variant does not alter protein structure/function; This variant is associated with the following publications: (PMID: 22995991, 11704758, 21560189)

Blueprint Genetics
Classification: Pathogenic for EIF2B5-related disorders. Last evaluated: 2024-03-05. Review status: criteria provided, single submitter. Criteria: ACMG Guidelines, 2015. Collection method: clinical testing. Allele origin: germline. Affected: yes. Observed: 5 variant alleles.

Fulgent Genetics
Classification: Pathogenic for Leukoencephalopathy with vanishing white matter 1. Last evaluated: 2021-09-03. Review status: criteria provided, single submitter. Criteria: ACMG Guidelines, 2015. Collection method: clinical testing. Allele origin: unknown.

Institute of Medical Genetics and Applied Genomics, University Hospital Tübingen
Classification: Pathogenic. Last evaluated: 2021-06-17. Review status: criteria provided, single submitter. Criteria: ACMG Guidelines, 2015. Collection method: clinical testing. Allele origin: germline. Inheritance: Autosomal recessive inheritance. Affected: yes.

Laboratory for Molecular Medicine, Mass General Brigham Personalized Medicine
Classification: Pathogenic for Vanishing white matter disease. Last evaluated: 2019-06-03. Review status: criteria provided, single submitter. Criteria: LMM Criteria. Collection method: clinical testing. Allele origin: germline. Inheritance: Autosomal recessive inheritance. Observed: 1 variant allele.
Comment: The p.Thr91Ala variant in EIF2B5 has been reported in the homozygous or compound heterozygous state in at least 15 individuals with leukoencephalopathy with vanishing white matter and segregated with disease in 3 affected individuals from 3 families (Leegwater 2001, Li 2004, Kantor 2005, Horzinski 2010, van der Lei 2010, Liu 2011). It has also been reported by other clinical laboratories in ClinVar (Variation ID # 5942) and has been identified in 0.008% (10/129180) of European chromosomes by gnomAD. In vitro functional studies support an impact on protein function (Li 2004, Dietrich 2005, Horzinski 2010, Liu 2011). Computational prediction tools and conservation analyses do not provide strong support for or against an impact to the protein. In summary, this variant meets criteria to be classified as pathogenic for autosomal recessive leukoencephalopathy with vanishing white matter. ACMG/AMP criteria applied: PM3_VeryStrong, PP1_Moderate, PS3_Supporting.

Illumina Laboratory Services, Illumina
Classification: Pathogenic for Leukoencephalopathy with vanishing white matter 1. Last evaluated: 2017-04-27. Review status: criteria provided, single submitter. Criteria: ICSL Variant Classification Criteria 09 May 2019. Collection method: clinical testing. Allele origin: germline.
Comment: The EIF2B5 c.271A>G (p.Thr91Ala) missense variant has been well-described in the literature as a pathogenic variant for childhood ataxia with central nervous system hypomyelination and vanishing white matter, which is also known as leukoencephalopathy with vanishing white matter (VWM). Leegwater et al. (2001) studied 41 individuals with VWM from 35 families, and found the p.Thr91Ala variant in a homozygous state in seven individuals (including two sibling pairs), and in a compound heterozygous state in four individuals. The p.Thr91Ala variant was found as part of a shared ancestral haplotype. Van der Lei et al. (2010) compared the phenotypes 184 individuals with VWM and a few select genotypes, including eight individuals homozygous for the p.Thr91Ala variant, and seven individuals compound heterozygous for the p.Thr91Ala variant and a missense variant. The authors suggest that the variable VWM phenotype is determined by the combination of both variants, although the p.Thr91Ala variant is generally associated with an intermediate/moderate phenotype. Functional studies demonstrated that the p.Thr91Ala variant protein has a reduced ability to form eIF2B holocomplexes and that holocomplexes containing the p.Thr91Ala variant had reduced, but not absent, enzymatic activity (Li et al. 2004; Liu et al. 2011). The p.Thr91Ala variant was absent from at least 210 control chromosomes and is reported at a frequency of 0.00007 in the European (non-Finnish) population of the Exome Aggregation Consortium. Based on the collective evidence, the p.Thr91Ala variant is classified as pathogenic for childhood ataxia with central nervous system hypomyelination and vanishing white matter. This variant was observed by ICSL as part of a predisposition screen in an ostensibly healthy population.

Knight Diagnostic Laboratories, Oregon Health and Sciences University
Classification: Likely pathogenic for Leukoencephalopathy with vanishing white matter. Last evaluated: 2017-03-24. Review status: criteria provided, single submitter. Criteria: ACMG Guidelines, 2015. Collection method: clinical testing. Allele origin: germline. Affected: yes. Observed: 1 variant allele.

OMIM
Classification: Pathogenic for LEUKOENCEPHALOPATHY WITH VANISHING WHITE MATTER 5. Last evaluated: 2001-12-01. Review status: no assertion criteria provided. Collection method: literature only. Allele origin: germline. Not counted in ClinVar's aggregate classification.

GeneReviews
No classification provided. Condition: Vanishing white matter disease. Review status: no classification provided. Collection method: literature only. Allele origin: germline. Not counted in ClinVar's aggregate classification.
Comment: Dutch founder variant, associated w/relatively mild disease

Literature cited by the submitters: PubMed 11704758 (cited by 6 submitters); PubMed 15136673 (cited by Labcorp Genetics (formerly Invitae), Labcorp); PubMed 20975056 (cited by 3 submitters); PubMed 21560189 (cited by 3 submitters); PubMed 15060152 (cited by 3 submitters); PubMed 16041584 (cited by Laboratory for Molecular Medicine, Mass General Brigham Personalized Medicine); PubMed 15723074 (cited by Laboratory for Molecular Medicine, Mass General Brigham Personalized Medicine); PubMed 20958979 (cited by Laboratory for Molecular Medicine, Mass General Brigham Personalized Medicine); PubMed 20301435 (cited by GeneReviews).